The following is an entry in ClinVar:

NM_001035.2(RYR2):c.(?_169)_(273_?)del

Gene: RYR2 (ryanodine receptor 2; plus strand). Cytogenetic location: 1q43.
Variant type: Deletion.
Coding change: c.(?_169)_(273_?)del on transcript NM_001035.2; a large deletion whose breakpoints are not mapped to the base.
Identifiers: ClinVar variation 228290 (VCV000228290.7).

ClinVar aggregate classification (germline): Likely pathogenic (1 of 4 stars; one submission).

Conditions:
Catecholaminergic polymorphic ventricular tachycardia (CVPT). Also called: Catecholamine-induced polymorphic ventricular tachycardia. Identifiers: Orphanet 3286, MedGen C5574922, MONDO:0017990.

Submission:

Laboratory for Molecular Medicine, Mass General Brigham Personalized Medicine
Classification: Likely pathogenic for Catecholaminergic polymorphic ventricular tachycardia. Last evaluated: 2015-10-12. Review status: criteria provided, single submitter. Criteria: LMM Criteria. Collection method: clinical testing. Allele origin: germline. Inheritance: Autosomal dominant inheritance. Observed: 2 variant alleles.
Comment: The c.(?_169)_(273_?)del variant in RYR2 results in a deletion of exon 3, which has been reported in >10 individuals with CPVT +/- LVNC, segregated with disease in >20 affected relatives from 5 families, and occurred de novo in 1 individual (Bhuiyan 2007, Medeiros-Domingo 2009, Marjamaa 2009, Szentpali 2013, Ohno 2014, Campbell 2015, Leong 2015). However, its frequency in healthy controls or the g eneral population is not available. In summary, this variant is very likely path ogenic, but the frequency information for controls is needed to determine this w ith certainty.

Literature cited by the submitters: PubMed 24728420; PubMed 25835811; PubMed 25445213; PubMed 24743769; PubMed 19216760; PubMed 11389482; PubMed 22374134; PubMed 21645850; PubMed 19926015; PubMed 24394973; PubMed 23479668; PubMed 23978697; PubMed 17875969; PubMed 26018045.